The following is an entry in ClinVar:

ClinVar aggregate classification (germline): Conflicting classifications of pathogenicity. Review status: criteria provided, conflicting classifications (1 of 4 stars). 2 submissions from 2 submitters: Uncertain significance (1); Likely benign (1). Last evaluated 2025-04-02.

Conditions:
Ataxia-telangiectasia syndrome (AT). Also called: AT, COMPLEMENTATION GROUP C; Ataxia-telangiectasia, complementation group D; ATAXIA-TELANGIECTASIA, COMPLEMENTATION GROUP A; ATAXIA-TELANGIECTASIA, FRESNO VARIANT; Ataxia-telangiectasia; Ataxia-telangiectasia, complementation group E. Identifiers: Orphanet 100, MedGen C0004135, MONDO:0008840, OMIM 208900.
Familial cancer of breast. Also called: hereditary breast carcinoma; BREAST CANCER, FAMILIAL; Hereditary breast cancer. Identifiers: Orphanet 227535, MedGen C0346153, MONDO:0016419, OMIM 114480. Disease mechanism: loss of function.

Submissions (2):

Labcorp Genetics (formerly Invitae), Labcorp
Classification: Uncertain significance for Ataxia-telangiectasia syndrome. Last evaluated: 2025-04-02. Review status: criteria provided, single submitter. Criteria: Invitae Variant Classification Sherloc (09022015). Collection method: clinical testing. Allele origin: germline.
Comment: This sequence change falls in intron 46 of the ATM gene. It does not directly change the encoded amino acid sequence of the ATM protein. It affects a nucleotide within the consensus splice site. This variant is not present in population databases (gnomAD no frequency). This variant has not been reported in the literature in individuals affected with ATM-related conditions. ClinVar contains an entry for this variant (Variation ID: 3253864). Variants that disrupt the consensus splice site are a relatively common cause of aberrant splicing (PMID: 17576681, 9536098). Algorithms developed to predict the effect of sequence changes on RNA splicing suggest that this variant is not likely to affect RNA splicing. In summary, the available evidence is currently insufficient to determine the role of this variant in disease. Therefore, it has been classified as a Variant of Uncertain Significance.

Myriad Genetics, Inc.
Classification: Likely benign for Familial cancer of breast. Last evaluated: 2024-06-10. Review status: criteria provided, single submitter. Criteria: Myriad Autosomal Dominant, Autosomal Recessive and X-Linked Classification Criteria (2023). Collection method: clinical testing. Allele origin: unknown.
Comment: This variant is considered likely benign. This variant is intronic and is not expected to impact mRNA splicing.

Literature cited by the submitters: PubMed 17576681 (cited by Labcorp Genetics (formerly Invitae), Labcorp); PubMed 9536098 (cited by Labcorp Genetics (formerly Invitae), Labcorp).

NM_000051.4(ATM):c.6807+5A>G

Genes: ATM (ATM serine/threonine kinase; plus strand), C11orf65 (chromosome 11 open reading frame 65; minus strand). Cytogenetic location: 11q22.3.
Variant type: single nucleotide variant.
Coding change: c.6807+5A>G on transcript NM_000051.4 (MANE Select); 5 bases into the intron after coding-DNA position 6807, A replaced by G.
Molecular consequence: intron variant.
Genome position (GRCh38, 1-based): chr11:108,325,549, A>G. VCF-style: chr11-108325549-A-G. GRCh37 (hg19) VCF-style: chr11-108196276-A-G.
Other names: c.6807+5A>G (NM_001351834.2); c.641-16478T>C (NM_001330368.2); c.*38+9671T>C (NM_001351110.2).
Identifiers: ClinVar variation 3253864 (VCV003253864.1), dbSNP rs2547207738.